The following is an entry in ClinVar:

NM_177438.3(DICER1):c.3280T>G (p.Leu1094Val)

Gene: DICER1 (dicer 1, ribonuclease III; minus strand). Cytogenetic location: 14q32.13.
Variant type: single nucleotide variant.
Coding change: c.3280T>G on transcript NM_177438.3 (MANE Select); coding-DNA position 3280, T replaced by G.
Protein change: p.Leu1094Val; replaces leucine 1094 with valine.
Molecular consequence: missense variant. On other transcripts: non-coding transcript variant (4).
Genome position (GRCh38, 1-based): chr14:95,104,116, A>C on the plus strand (T>G on the coding strand, the complement: DICER1 is on the minus strand). VCF-style: chr14-95104116-A-C. GRCh37 (hg19) VCF-style: chr14-95570453-A-C.
Other names: c.3280T>G, p.Leu1094Val (NM_001195573.1, NM_001271282.3, NM_001291628.2 and 12 more transcripts); c.2875T>G, p.Leu959Val (NM_001395690.1, NM_001395696.1, NM_001395687.1 and 2 more transcripts); c.2713T>G, p.Leu905Val (NM_001395691.1); c.1597T>G, p.Leu533Val (NM_001395697.1); c.2998T>G, p.Leu1000Val (NM_001395686.1); short protein forms L1000V, L533V, L959V, L1094V, L905V.
Identifiers: ClinVar variation 5035261 (VCV005035261.1).

ClinVar aggregate classification (germline): Uncertain significance (1 of 4 stars; one submission).

Conditions:
Hereditary cancer-predisposing syndrome. Also called: Hereditary Cancer Syndrome; Neoplastic Syndromes, Hereditary; Tumor predisposition; Hereditary neoplastic syndrome. Identifiers: Orphanet 140162, MedGen C0027672, MeSH D009386, MONDO:0015356.

Submission:

Ambry Genetics
Classification: Uncertain significance for Hereditary cancer-predisposing syndrome. Last evaluated: 2026-07-07. Review status: criteria provided, single submitter. Criteria: Ambry Variant Classification Scheme 2023. Collection method: clinical testing. Allele origin: germline.
Comment: The p.L1094V variant (also known as c.3280T>G), located in coding exon 20 of the DICER1 gene, results from a T to G substitution at nucleotide position 3280. The leucine at codon 1094 is replaced by valine, an amino acid with highly similar properties. This amino acid position is conserved. In addition, the in silico prediction for this alteration is inconclusive. Based on the available evidence, the clinical significance of this variant remains unclear.